The following is an entry in ClinVar:

ClinVar aggregate classification (germline): Uncertain significance (1 of 4 stars; one submission).

Conditions:
Blau syndrome (BLAUS). Also called: ARTHROCUTANEOUVEAL GRANULOMATOSIS; GRANULOMATOSIS, FAMILIAL JUVENILE SYSTEMIC; GRANULOMATOSIS, FAMILIAL, BLAU TYPE; GRANULOMATOUS INFLAMMATORY ARTHRITIS, DERMATITIS, AND UVEITIS, FAMILIAL; JABS SYNDROME. Identifiers: Orphanet 90340, MedGen C5201146, MONDO:0008523, OMIM 186580.
Regional enteritis. Also called: Enteritis, Granulomatous. Identifiers: MedGen C0678202, MeSH D003424.

Allele frequency attached by ClinVar (database versions not stated): gnomAD 0.00001; gnomAD exomes 0.00001; TOPMed 0.00001; ExAC 0.00004.
gnomAD v4.1: 16 of 1,559,340 alleles (0.001%); highest among the groups gnomAD compares: Non-Finnish European, 0.0014%; no homozygotes.

Submission:

Labcorp Genetics (formerly Invitae), Labcorp
Classification: Uncertain significance for Regional enteritis; Blau syndrome. Last evaluated: 2024-03-02. Review status: criteria provided, single submitter. Criteria: Invitae Variant Classification Sherloc (09022015). Collection method: clinical testing. Allele origin: germline.
Comment: This sequence change replaces alanine, which is neutral and non-polar, with serine, which is neutral and polar, at codon 8 of the NOD2 protein (p.Ala8Ser). The frequency data for this variant in the population databases is considered unreliable, as metrics indicate poor data quality at this position in the gnomAD database. This missense change has been observed in individual(s) with orofacial granulomatosis (PMID: 27306066). ClinVar contains an entry for this variant (Variation ID: 1388443). Advanced modeling of protein sequence and biophysical properties (such as structural, functional, and spatial information, amino acid conservation, physicochemical variation, residue mobility, and thermodynamic stability) performed at Invitae indicates that this missense variant is not expected to disrupt NOD2 protein function with a negative predictive value of 95%. In summary, the available evidence is currently insufficient to determine the role of this variant in disease. Therefore, it has been classified as a Variant of Uncertain Significance.

Literature cited by the submitters: PubMed 27306066.

NM_001370466.1(NOD2):c.-8-2223G>T

Gene: NOD2 (nucleotide binding oligomerization domain containing 2; plus strand). Cytogenetic location: 16q12.1.
Variant type: single nucleotide variant.
Coding change: c.-8-2223G>T on transcript NM_001370466.1 (MANE Select); 2223 bases into the intron before 8 bases upstream of the start codon, G replaced by T.
Molecular consequence: intron variant. On other transcripts: missense variant (1).
Genome position (GRCh38, 1-based): chr16:50,697,265, G>T. VCF-style: chr16-50697265-G-T. GRCh37 (hg19) VCF-style: chr16-50731176-G-T.
Other names: c.22G>T, p.Ala8Ser (NM_022162.3); short protein forms A8S.
Identifiers: ClinVar variation 1388443 (VCV001388443.6), dbSNP rs764563350, ClinGen allele CA8051163.